The following is an entry in ClinVar:

NM_001854.4(COL11A1):c.1363C>T (p.Pro455Ser)

Gene: COL11A1 (collagen type XI alpha 1 chain; minus strand). Cytogenetic location: 1p21.1.
Variant type: single nucleotide variant.
Coding change: c.1363C>T on transcript NM_001854.4 (MANE Select); coding-DNA position 1363, C replaced by T.
Protein change: p.Pro455Ser; replaces proline 455 with serine.
Molecular consequence: missense variant. On other transcripts: non-coding transcript variant (1).
Genome position (GRCh38, 1-based): chr1:103,017,870, G>A on the plus strand (C>T on the coding strand, the complement: COL11A1 is on the minus strand). VCF-style: chr1-103017870-G-A. GRCh37 (hg19) VCF-style: chr1-103483426-G-A.
Other names: c.1015C>T, p.Pro339Ser (NM_001168249.1, NM_080630.4); c.1246C>T, p.Pro416Ser (NM_001190709.2); c.1399C>T, p.Pro467Ser (NM_080629.3); short protein forms P416S, P339S, P455S, P467S.
Identifiers: ClinVar variation 2805959 (VCV002805959.4), dbSNP rs1462597589, ClinGen allele CA341179709.
Genomic context (GRCh38, chr1:103,017,870, plus strand): 5'-ATTCACTTACCCTATCGCCAGGGTCACCAGGGGGTCCAGTGGGGCCTTGTAGACCTGGAG[G>A]ACCCATAATACCCTATAGAGAAACACACCATATCTTAATCAGATTCCTAATCTCATTAAT-3'
Protein context (NP_001845.3, residues 445-465): GPAGPAGIMG[Pro455Ser]PGLQGPTGPP

ClinVar aggregate classification (germline): Uncertain significance. Review status: criteria provided, multiple submitters, no conflicts (2 of 4 stars). 2 submissions from 2 submitters: Uncertain significance (2). Last evaluated 2023-03-23.

Allele frequency attached by ClinVar (database versions not stated): TOPMed below 0.00001.
gnomAD v4.1: 39 of 1,612,796 alleles (0.0024%); highest among the groups gnomAD compares: Non-Finnish European, 0.0032%; no homozygotes.

Submissions (2):

Blueprint Genetics
Classification: Uncertain significance. Last evaluated: 2023-03-23. Review status: criteria provided, single submitter. Criteria: ACMG Guidelines, 2015. Collection method: clinical testing. Allele origin: germline.

Labcorp Genetics (formerly Invitae), Labcorp
Classification: Uncertain significance. Last evaluated: 2022-11-15. Review status: criteria provided, single submitter. Criteria: Invitae Variant Classification Sherloc (09022015). Collection method: clinical testing. Allele origin: germline.
Comment: In summary, the available evidence is currently insufficient to determine the role of this variant in disease. Therefore, it has been classified as a Variant of Uncertain Significance. Advanced modeling of protein sequence and biophysical properties (such as structural, functional, and spatial information, amino acid conservation, physicochemical variation, residue mobility, and thermodynamic stability) performed at Invitae indicates that this missense variant is not expected to disrupt COL11A1 protein function. This variant has not been reported in the literature in individuals affected with COL11A1-related conditions. This variant is not present in population databases (gnomAD no frequency). This sequence change replaces proline, which is neutral and non-polar, with serine, which is neutral and polar, at codon 455 of the COL11A1 protein (p.Pro455Ser).